The following is an entry in ClinVar:

NM_001848.3(COL6A1):c.1641_1642del (p.Asp548fs)

Gene: COL6A1 (collagen type VI alpha 1 chain; plus strand). Cytogenetic location: 21q22.3.
Variant type: Deletion.
Coding change: c.1641_1642del on transcript NM_001848.3 (MANE Select); coding-DNA positions 1641 to 1642, 2 bases deleted (GG; older notation c.1641_1642delGG).
Protein change: p.Asp548fs; shifts the reading frame from aspartic acid 548.
Molecular consequence: frameshift variant.
Genome position (GRCh38, 1-based): chr21:45,998,926-45,998,927, GG deleted; deleting any 2 consecutive bases within chr21:45,998,923-45,998,927 gives the same sequence; the c. name uses the placement nearest the transcript's 3' end. VCF-style (leftmost placement, unchanged base first): chr21-45998922-AGG-A. GRCh37 (hg19) VCF-style: chr21-47418836-AGG-A.
Other names: short protein forms D548fs.
Identifiers: ClinVar variation 595434 (VCV000595434.6), dbSNP rs1569518771, ClinGen allele CA913190752.

ClinVar aggregate classification (germline): Pathogenic. Review status: criteria provided, multiple submitters, no conflicts (2 of 4 stars). 3 submissions from 3 submitters: Pathogenic (3). Last evaluated 2025-09-19.

Conditions:
Ullrich congenital muscular dystrophy 1A. Also called: Ullrich congenital muscular dystrophy 1; Intermediate COL6-RD. Identifiers: Orphanet 75840, MedGen C0410179, MONDO:0009681, OMIM 254090.

Submissions (3):

First Genomix Gene Laboratory, Genetic Diagnostics Department
Classification: Pathogenic for Ullrich congenital muscular dystrophy 1A. Last evaluated: 2025-09-19. Review status: criteria provided, single submitter. Criteria: ACMG Guidelines, 2015. Collection method: clinical testing. Allele origin: germline. Inheritance: Autosomal recessive inheritance. Affected: no. Observed: 1 variant allele.

Eurofins Ntd Llc (ga)
Classification: Pathogenic. Last evaluated: 2017-12-19. Review status: criteria provided, single submitter. Criteria: EGL Classification Definitions 2015. Collection method: clinical testing. Allele origin: germline. Observed: 1 variant allele, 1 homozygote.

Neuberg Centre For Genomic Medicine, NCGM
Classification: Pathogenic for Ullrich congenital muscular dystrophy 1A. Review status: criteria provided, single submitter. Criteria: ACMG Guidelines, 2015. Collection method: clinical testing. Allele origin: germline. Affected: yes.
Comment: The frameshift deletion p.D548Rfs*11 in COL6A1 (NM_001848.3) has been submitted to ClinVar as Pathogenic but no details are available for independent assesment. The variant has not been reported in affected individuals in the literature. The p.D548Rfs*11 variant is novel (not in any individuals) in gnomAD Exomes and is novel (not in any individuals) in 1000 Genomes. This variant is predicted to cause loss of normal protein function through protein truncation. Loss of function variants have been previously reported to be disease causing. For these reasons, this variant has been classified as Pathogenic